The following is an entry in ClinVar:

ClinVar aggregate classification (germline): Pathogenic (1 of 4 stars; one submission).

Conditions:
Early-infantile DEE. Also called: Early infantile epileptic encephalopathy with suppression bursts; Early infantile epileptic encephalopathy; Ohtahara syndrome. Identifiers: Orphanet 1934, MedGen C0393706, MONDO:0800491.

Submission:

Labcorp Genetics (formerly Invitae), Labcorp
Classification: Pathogenic for Early-infantile DEE. Last evaluated: 2024-04-30. Review status: criteria provided, single submitter. Criteria: Invitae Variant Classification Sherloc (09022015). Collection method: clinical testing. Allele origin: germline.
Comment: This sequence change inserts a large fragment of DNA, likely a transposable element, in exon 23 of the SCN1A gene (c.4371_4372ins?), causing a frameshift at codon 1457 (p.Leu1457fs). The exact size and sequence of the insertion cannot be determined by the current assay. However, the insertion is expected to result in an absent or disrupted protein product. This variant is not present in population databases (gnomAD no frequency). This variant has not been reported in the literature in individuals affected with SCN1A-related conditions. ClinVar contains an entry for this variant (Variation ID: 1456041). Retrotransposon insertions including LINE1 (L1), Alu, and SVA (SINE-VNTR-Alu) have been reported to be disease-causing through disruption of either a coding region or splice site (PMID: 19763152, 20307669, 22406018) and loss-of-function variants in SCN1A are known to be pathogenic (PMID: 17347258, 18930999). For these reasons, this variant has been classified as Pathogenic.

Literature cited by the submitters: PubMed 19763152; PubMed 20307669; PubMed 22406018; PubMed 17347258; PubMed 18930999.

NM_001165963.4(SCN1A):c.4371_4372insGAGGAAAATCGCTTCAACCTGGGAGGCAGAGGTTGCAGTGAGCCGAGATTGCACCACTGCACTCCACCCAGACNNNNNNNNNNAAAAAAAAAAAAAAAAAAAAAAGAAAGTCTG (p.Leu1457_Tyr1458insGluGluAsnArgPheAsnLeuGlyGlyArgGlyCysSerGluProArgLeuHisHisCysThrProProArgXaaXaaXaaXaaLysLysLysLysLysLysLysGluSerLeu)

Genes: SCN1A (sodium voltage-gated channel alpha subunit 1; minus strand), LOC102724058 (uncharacterized LOC102724058; plus strand). Cytogenetic location: 2q24.3.
Variant type: Insertion.
Coding change: c.4371_4372insGAGGAAAATCGCTTCAACCTGGGAGGCAGAGGTTGCAGTGAGCCGAGATTGCACCACTGCACTCCACCCAGACNNNNNNNNNNAAAAAAAAAAAAAAAAAAAAAAGAAAGTCTG on transcript NM_001165963.4 (MANE Select); coding-DNA positions 4371 to 4372, GAGGAAAATCGCTTCAACCTGGGAGGCAGAGGTTGCAGTGAGCCGAGATTGCACCACTGCACTCCACCCAGACNNNNNNNNNNAAAAAAAAAAAAAAAAAAAAAAGAAAGTCTG inserted.
Protein change: p.Leu1457_Tyr1458insGluGluAsnArgPheAsnLeuGlyGlyArgGlyCysSerGluProArgLeuHisHisCysThrProProArgXaaXaaXaaXaaLysLysLysLysLysLysLysGluSerLeu.
Molecular consequence: inframe insertion. On other transcripts: non-coding transcript variant (1).
Genome position: GRCh38: chr2:165,998,153-165,998,154. GRCh37 (hg19): chr2:166,854,663-166,854,664.
Other names: c.4287_4288insGAGGAAAATCGCTTCAACCTGGGAGGCAGAGGTTGCAGTGAGCCGAGATTGCACCACTGCACTCCACCCAGACNNNNNNNNNNAAAAAAAAAAAAAAAAAAAAAAGAAAGTCTG, p.Leu1429_Tyr1430insGluGluAsnArgPheAsnLeuGlyGlyArgGlyCysSerGluProArgLeuHisHisCysThrProProArgXaaXaaXaaXaaLysLysLysLysLysLysLysGluSerLeu (NM_001165964.3, NM_001353957.2, NM_001353958.2); c.4371_4372insGAGGAAAATCGCTTCAACCTGGGAGGCAGAGGTTGCAGTGAGCCGAGATTGCACCACTGCACTCCACCCAGACNNNNNNNNNNAAAAAAAAAAAAAAAAAAAAAAGAAAGTCTG, p.Leu1457_Tyr1458insGluGluAsnArgPheAsnLeuGlyGlyArgGlyCysSerGluProArgLeuHisHisCysThrProProArgXaaXaaXaaXaaLysLysLysLysLysLysLysGluSerLeu (NM_001202435.3, NM_001353948.2); c.4338_4339insGAGGAAAATCGCTTCAACCTGGGAGGCAGAGGTTGCAGTGAGCCGAGATTGCACCACTGCACTCCACCCAGACNNNNNNNNNNAAAAAAAAAAAAAAAAAAAAAAGAAAGTCTG, p.Leu1446_Tyr1447insGluGluAsnArgPheAsnLeuGlyGlyArgGlyCysSerGluProArgLeuHisHisCysThrProProArgXaaXaaXaaXaaLysLysLysLysLysLysLysGluSerLeu (NM_001353949.2, NM_001353950.2, NM_001353951.2 and 2 more transcripts); c.4335_4336insGAGGAAAATCGCTTCAACCTGGGAGGCAGAGGTTGCAGTGAGCCGAGATTGCACCACTGCACTCCACCCAGACNNNNNNNNNNAAAAAAAAAAAAAAAAAAAAAAGAAAGTCTG, p.Leu1445_Tyr1446insGluGluAsnArgPheAsnLeuGlyGlyArgGlyCysSerGluProArgLeuHisHisCysThrProProArgXaaXaaXaaXaaLysLysLysLysLysLysLysGluSerLeu (NM_001353954.2, NM_001353955.2); c.4284_4285insGAGGAAAATCGCTTCAACCTGGGAGGCAGAGGTTGCAGTGAGCCGAGATTGCACCACTGCACTCCACCCAGACNNNNNNNNNNAAAAAAAAAAAAAAAAAAAAAAGAAAGTCTG, p.Leu1428_Tyr1429insGluGluAsnArgPheAsnLeuGlyGlyArgGlyCysSerGluProArgLeuHisHisCysThrProProArgXaaXaaXaaXaaLysLysLysLysLysLysLysGluSerLeu (NM_001353960.2); c.1929_1930insGAGGAAAATCGCTTCAACCTGGGAGGCAGAGGTTGCAGTGAGCCGAGATTGCACCACTGCACTCCACCCAGACNNNNNNNNNNAAAAAAAAAAAAAAAAAAAAAAGAAAGTCTG, p.Leu643_Tyr644insGluGluAsnArgPheAsnLeuGlyGlyArgGlyCysSerGluProArgLeuHisHisCysThrProProArgXaaXaaXaaXaaLysLysLysLysLysLysLysGluSerLeu (NM_001353961.2).
Identifiers: ClinVar variation 1456041 (VCV001456041.7), dbSNP rs2105476619.